The following is an entry in ClinVar:

NM_001031689.3(PLAA):c.1022A>G (p.Glu341Gly)

Gene: PLAA (phospholipase A2 activating protein; minus strand). Cytogenetic location: 9p21.2.
Variant type: single nucleotide variant.
Coding change: c.1022A>G on transcript NM_001031689.3 (MANE Select); coding-DNA position 1022, A replaced by G.
Protein change: p.Glu341Gly; replaces glutamic acid 341 with glycine.
Molecular consequence: missense variant.
Genome position (GRCh38, 1-based): chr9:26,923,195, T>C on the plus strand (A>G on the coding strand, the complement: PLAA is on the minus strand). VCF-style: chr9-26923195-T-C. GRCh37 (hg19) VCF-style: chr9-26923193-T-C.
Other names: c.1022A>G, p.Glu341Gly (NM_001321546.2); short protein forms E341G.
Identifiers: ClinVar variation 3716494 (VCV003716494.2).
Genomic context (GRCh38, chr9:26,923,195, plus strand): 5'-AAATATGGTGAATTTTTTCTACTAGGTACAATAAAATACTTACCAGGTTCATTAAGATGT[T>C]CCCTCCCAGGAAGCTGCTCAGCATTGATGTCCCCTAAATCGCCAGTTTTAGAATCAATGG-3'
Protein context (NP_001026859.1, residues 331-351): DINAEQLPGR[Glu341Gly]HLNEPGTREG

ClinVar aggregate classification (germline): Uncertain significance (1 of 4 stars; one submission).

gnomAD v4.1: 2 of 1,597,656 alleles (0.00013%); highest among the groups gnomAD compares: Admixed American, 0.0017%; no homozygotes.

Submission:

Labcorp Genetics (formerly Invitae), Labcorp
Classification: Uncertain significance. Last evaluated: 2025-01-20. Review status: criteria provided, single submitter. Criteria: Invitae Variant Classification Sherloc (09022015). Collection method: clinical testing. Allele origin: germline.
Comment: This sequence change replaces glutamic acid, which is acidic and polar, with glycine, which is neutral and non-polar, at codon 341 of the PLAA protein (p.Glu341Gly). This variant is present in population databases (rs769736091, gnomAD 0.003%). This variant has not been reported in the literature in individuals affected with PLAA-related conditions. Invitae Evidence Modeling of protein sequence and biophysical properties (such as structural, functional, and spatial information, amino acid conservation, physicochemical variation, residue mobility, and thermodynamic stability) has been performed for this missense variant. However, the output from this modeling did not meet the statistical confidence thresholds required to predict the impact of this variant on PLAA protein function. In summary, the available evidence is currently insufficient to determine the role of this variant in disease. Therefore, it has been classified as a Variant of Uncertain Significance.